The following is an entry in ClinVar:

ClinVar aggregate classification (germline): Uncertain significance (1 of 4 stars; one submission).

Conditions:
Progressive myoclonic epilepsy type 9. Identifiers: Orphanet 457265, MedGen C4225289, MONDO:0014685, OMIM 616540.
Lipodystrophy, partial, acquired, susceptibility to (APLD). Also called: APLD, SUSCEPTIBILITY TO. Identifiers: MedGen C3887501, MONDO:0100476, OMIM 608709.

Submission:

Labcorp Genetics (formerly Invitae), Labcorp
Classification: Uncertain significance for Progressive myoclonic epilepsy type 9; Lipodystrophy, partial, acquired, susceptibility to. Last evaluated: 2020-10-16. Review status: criteria provided, single submitter. Criteria: Invitae Variant Classification Sherloc (09022015). Collection method: clinical testing. Allele origin: germline.
Comment: Algorithms developed to predict the effect of missense changes on protein structure and function are either unavailable or do not agree on the potential impact of this missense change (SIFT: "Deleterious"; PolyPhen-2: "Benign"; Align-GVGD: "Class C15"). This sequence change replaces arginine with leucine at codon 171 of the LMNB2 protein (p.Arg171Leu). The arginine residue is moderately conserved and there is a moderate physicochemical difference between arginine and leucine. This variant is not present in population databases (ExAC no frequency). This variant has not been reported in the literature in individuals with LMNB2-related conditions. In summary, the available evidence is currently insufficient to determine the role of this variant in disease. Therefore, it has been classified as a Variant of Uncertain Significance.

NM_032737.4(LMNB2):c.512G>T (p.Arg171Leu)

Gene: LMNB2 (lamin B2; minus strand). Cytogenetic location: 19p13.3.
Variant type: single nucleotide variant.
Coding change: c.512G>T on transcript NM_032737.4 (MANE Select); coding-DNA position 512, G replaced by T.
Protein change: p.Arg171Leu; replaces arginine 171 with leucine.
Molecular consequence: missense variant.
Genome position (GRCh38, 1-based): chr19:2,438,421, C>A on the plus strand (G>T on the coding strand, the complement: LMNB2 is on the minus strand). VCF-style: chr19-2438421-C-A. GRCh37 (hg19) VCF-style: chr19-2438419-C-A.
Other names: short protein forms R171L.
Identifiers: ClinVar variation 1043229 (VCV001043229.8), dbSNP rs776205964, ClinGen allele CA403257463.